The following is an entry in ClinVar:

NM_017649.5(CNNM2):c.2073+14T>C

Gene: CNNM2 (cyclin and CBS domain divalent metal cation transport mediator 2; plus strand). Cytogenetic location: 10q24.32.
Variant type: single nucleotide variant.
Coding change: c.2073+14T>C on transcript NM_017649.5 (MANE Select); 14 bases into the intron after coding-DNA position 2073, T replaced by C.
Molecular consequence: intron variant.
Genome position (GRCh38, 1-based): chr10:103,056,978, T>C. VCF-style: chr10-103056978-T-C. GRCh37 (hg19) VCF-style: chr10-104816735-T-C.
Other names: c.2073+14T>C (NM_199076.3).
Identifiers: ClinVar variation 298647 (VCV000298647.16), dbSNP rs184406418, ClinGen allele CA5670517.

ClinVar aggregate classification (germline): Benign/Likely benign. Review status: criteria provided, multiple submitters, no conflicts (2 of 4 stars). 6 submissions from 6 submitters: Benign (3); Likely benign (3). Last evaluated 2026-05-05.

Conditions:
Renal hypomagnesemia 6. Identifiers: Orphanet 34527, MedGen C3151295, MONDO:0013480, OMIM 613882.
Hypomagnesemia, seizures, and impaired intellectual development 1. Also called: Hypomagnesemia, seizures, and intellectual disability 1. Identifiers: Orphanet 34527, MedGen C4225333, MONDO:0020787, OMIM 616418.

Allele frequency attached by ClinVar (database versions not stated): gnomAD exomes 0.00050 and 0.00029; ExAC 0.00056; ESP Exome Variant Server 0.00096; gnomAD 0.00141 and 0.00150; TOPMed 0.00159; 1000 Genomes Project 30x 0.00187; 1000 Genomes Project 0.00220.
gnomAD v4.1: 645 of 1,605,440 alleles (0.04%); highest among the groups gnomAD compares: African/African-American, 0.51%; 4 homozygotes.

Submissions (6):

Revvity Omics, Revvity
Classification: Benign. Last evaluated: 2026-05-05. Review status: criteria provided, single submitter. Criteria: ACMG Guidelines, 2015. Collection method: clinical testing. Allele origin: germline.

Labcorp Genetics (formerly Invitae), Labcorp
Classification: Benign. Last evaluated: 2025-12-22. Review status: criteria provided, single submitter. Criteria: Invitae Variant Classification Sherloc (09022015). Collection method: clinical testing. Allele origin: germline.

Women's Health and Genetics/Laboratory Corporation of America, LabCorp
Classification: Likely benign. Last evaluated: 2025-12-11. Review status: criteria provided, single submitter. Criteria: LabCorp Variant Classification Summary - May 2015. Collection method: clinical testing. Allele origin: germline.

Blueprint Genetics
Classification: Likely benign. Last evaluated: 2024-11-25. Review status: criteria provided, single submitter. Criteria: ACMG Guidelines, 2015. Collection method: clinical testing. Allele origin: germline.

Fulgent Genetics
Classification: Likely benign for Renal hypomagnesemia 6; Hypomagnesemia, seizures, and impaired intellectual development 1. Last evaluated: 2021-09-28. Review status: criteria provided, single submitter. Criteria: ACMG Guidelines, 2015. Collection method: clinical testing. Allele origin: unknown.

Illumina Laboratory Services, Illumina
Classification: Benign for Renal hypomagnesemia 6. Last evaluated: 2018-01-13. Review status: criteria provided, single submitter. Criteria: ICSL Variant Classification Criteria 13 December 2019. Collection method: clinical testing. Allele origin: germline.
Comment: This variant was observed in the ICSL laboratory as part of a predisposition screen in an ostensibly healthy population. It had not been previously curated by ICSL or reported in the Human Gene Mutation Database (HGMD: prior to June 1st, 2018), and was therefore a candidate for classification through an automated scoring system. Utilizing variant allele frequency, disease prevalence and penetrance estimates, and inheritance mode, an automated score was calculated to assess if this variant is too frequent to cause the disease. Based on the score and internal cut-off values, a variant classified as benign is not then subjected to further curation. The score for this variant resulted in a classification of benign for this disease.